The following is an entry in ClinVar:

ClinVar aggregate classification (germline): Uncertain significance (1 of 4 stars; one submission).

Conditions:
Glycogen storage disease, type II (IOPD). Also called: POMPE DISEASE, INFANTILE-ONSET; GLYCOGEN STORAGE DISEASE II, INFANTILE-ONSET; ACID ALPHA-GLUCOSIDASE DEFICIENCY, INFANTILE-ONSET; GAA DEFICIENCY, INFANTILE-ONSET; ACID MALTASE DEFICIENCY, INFANTILE-ONSET; Glycogen storage disease type 2. Identifiers: Orphanet 365, MedGen C0017921, MONDO:0009290, OMIM 232300.

gnomAD v4.1: 4 of 1,612,166 alleles (0.00025%); highest among the groups gnomAD compares: Middle Eastern, 0.017%; no homozygotes.

Submission:

Labcorp Genetics (formerly Invitae), Labcorp
Classification: Uncertain significance for Glycogen storage disease, type II. Last evaluated: 2025-10-13. Review status: criteria provided, single submitter. Criteria: Invitae Variant Classification Sherloc (09022015). Collection method: clinical testing. Allele origin: germline.
Comment: This sequence change replaces alanine, which is neutral and non-polar, with glycine, which is neutral and non-polar, at codon 300 of the GAA protein (p.Ala300Gly). This variant is not present in population databases (gnomAD no frequency). This variant has not been reported in the literature in individuals affected with GAA-related conditions. Invitae Evidence Modeling of protein sequence and biophysical properties (such as structural, functional, and spatial information, amino acid conservation, physicochemical variation, residue mobility, and thermodynamic stability) indicates that this missense variant is not expected to disrupt GAA protein function with a negative predictive value of 95%. In summary, the available evidence is currently insufficient to determine the role of this variant in disease. Therefore, it has been classified as a Variant of Uncertain Significance.

NM_000152.5(GAA):c.899C>G (p.Ala300Gly)

Gene: GAA (alpha glucosidase; plus strand). Cytogenetic location: 17q25.3.
Variant type: single nucleotide variant.
Coding change: c.899C>G on transcript NM_000152.5 (MANE Select); coding-DNA position 899, C replaced by G.
Protein change: p.Ala300Gly; replaces alanine 300 with glycine.
Molecular consequence: missense variant.
Genome position (GRCh38, 1-based): chr17:80,107,840, C>G. VCF-style: chr17-80107840-C-G. GRCh37 (hg19) VCF-style: chr17-78081639-C-G.
Other names: c.899C>G, p.Ala300Gly (NM_001079803.3, NM_001079804.3, NM_001406741.1 and 1 more transcripts); short protein forms A300G.
Identifiers: ClinVar variation 4751528 (VCV004751528.1).